The following is an entry in ClinVar:

NM_170606.3(KMT2C):c.10360T>C (p.Tyr3454His)

Gene: KMT2C (lysine methyltransferase 2C; minus strand). Cytogenetic location: 7q36.1.
Variant type: single nucleotide variant.
Coding change: c.10360T>C on transcript NM_170606.3 (MANE Select); coding-DNA position 10360, T replaced by C.
Protein change: p.Tyr3454His; replaces tyrosine 3454 with histidine.
Molecular consequence: missense variant.
Genome position (GRCh38, 1-based): chr7:152,163,217, A>G on the plus strand (T>C on the coding strand, the complement: KMT2C is on the minus strand). VCF-style: chr7-152163217-A-G. GRCh37 (hg19) VCF-style: chr7-151860302-A-G.
Other names: short protein forms Y3454H.
Identifiers: ClinVar variation 1707877 (VCV001707877.2), dbSNP rs2487690776, ClinGen allele CA370103883.

ClinVar aggregate classification (germline): Uncertain significance (1 of 4 stars; one submission).

Submission:

GeneDx
Classification: Uncertain significance. Last evaluated: 2022-04-01. Review status: criteria provided, single submitter. Criteria: GeneDx Variant Classification Process June 2021. Collection method: clinical testing. Allele origin: germline. Affected: yes.
Comment: Not observed at significant frequency in large population cohorts (gnomAD); In silico analysis supports that this missense variant has a deleterious effect on protein structure/function; Has not been previously published as pathogenic or benign to our knowledge